The following is an entry in ClinVar:

ClinVar aggregate classification (germline): Uncertain significance. Review status: criteria provided, multiple submitters, no conflicts (2 of 4 stars). 2 submissions from 2 submitters: Uncertain significance (2). Last evaluated 2024-05-20.

Allele frequency attached by ClinVar (database versions not stated): TOPMed below 0.00001; ExAC 0.00001.
gnomAD v4.1: 4 of 1,614,222 alleles (0.00025%); highest among the groups gnomAD compares: East Asian, 0.0067%; no homozygotes.

Submissions (2):

Labcorp Genetics (formerly Invitae), Labcorp
Classification: Uncertain significance. Last evaluated: 2024-05-20. Review status: criteria provided, single submitter. Criteria: Invitae Variant Classification Sherloc (09022015). Collection method: clinical testing. Allele origin: germline.
Comment: This sequence change replaces asparagine, which is neutral and polar, with lysine, which is basic and polar, at codon 697 of the CDHR1 protein (p.Asn697Lys). This variant is present in population databases (rs754075245, gnomAD 0.006%). This variant has not been reported in the literature in individuals affected with CDHR1-related conditions. ClinVar contains an entry for this variant (Variation ID: 1962108). Advanced modeling of protein sequence and biophysical properties (such as structural, functional, and spatial information, amino acid conservation, physicochemical variation, residue mobility, and thermodynamic stability) performed at Invitae indicates that this missense variant is not expected to disrupt CDHR1 protein function with a negative predictive value of 80%. In summary, the available evidence is currently insufficient to determine the role of this variant in disease. Therefore, it has been classified as a Variant of Uncertain Significance.

Blueprint Genetics
Classification: Uncertain significance. Last evaluated: 2020-08-18. Review status: criteria provided, single submitter. Criteria: ACMG Guidelines, 2015. Collection method: clinical testing. Allele origin: germline.

NM_033100.4(CDHR1):c.2091C>A (p.Asn697Lys)

Gene: CDHR1 (cadherin related family member 1; plus strand). Cytogenetic location: 10q23.1.
Variant type: single nucleotide variant.
Coding change: c.2091C>A on transcript NM_033100.4 (MANE Select); coding-DNA position 2091, C replaced by A.
Protein change: p.Asn697Lys; replaces asparagine 697 with lysine.
Molecular consequence: missense variant. On other transcripts: intron variant (1).
Genome position (GRCh38, 1-based): chr10:84,214,132, C>A. VCF-style: chr10-84214132-C-A. GRCh37 (hg19) VCF-style: chr10-85973888-C-A.
Other names: c.2040+784C>A (NM_001171971.3); short protein forms N697K.
Identifiers: ClinVar variation 1962108 (VCV001962108.6), dbSNP rs754075245, ClinGen allele CA5580146.
Genomic context (GRCh38, chr10:84,214,132, plus strand): 5'-TCTCTTTCAGACCCTCTCCCGGAGCCCCATGGCTGCCTTCCTGATACAGACCAAGGACAA[C>A]CCCATGAAGGCCGTGGGTGTGCTGGCCGGCACCATGGCCACCGTCGTGGCCATCACTGTC-3'
Protein context (NP_149091.1, residues 687-707): MAAFLIQTKD[Asn697Lys]PMKAVGVLAG